The following is an entry in ClinVar:

ClinVar aggregate classification (germline): Uncertain significance (1 of 4 stars; one submission).

Allele frequency attached by ClinVar (database versions not stated): gnomAD exomes 0.00001.
gnomAD v4.1: 3 of 1,612,470 alleles (0.00019%); highest among the groups gnomAD compares: Admixed American, 0.0017%; no homozygotes.

Submission:

Labcorp Genetics (formerly Invitae), Labcorp
Classification: Uncertain significance. Last evaluated: 2025-03-03. Review status: criteria provided, single submitter. Criteria: Invitae Variant Classification Sherloc (09022015). Collection method: clinical testing. Allele origin: germline.
Comment: This sequence change replaces isoleucine, which is neutral and non-polar, with valine, which is neutral and non-polar, at codon 202 of the COQ7 protein (p.Ile202Val). This variant is present in population databases (no rsID available, gnomAD 0.003%). This variant has not been reported in the literature in individuals affected with COQ7-related conditions. ClinVar contains an entry for this variant (Variation ID: 1495198). An algorithm developed to predict the effect of missense changes on protein structure and function outputs the following: PolyPhen-2: "Benign". The valine amino acid residue is found in multiple mammalian species, which suggests that this missense change does not adversely affect protein function. In summary, the available evidence is currently insufficient to determine the role of this variant in disease. Therefore, it has been classified as a Variant of Uncertain Significance.

NM_016138.5(COQ7):c.604A>G (p.Ile202Val)

Gene: COQ7 (coenzyme Q7, hydroxylase; plus strand). Cytogenetic location: 16p12.3.
Variant type: single nucleotide variant.
Coding change: c.604A>G on transcript NM_016138.5 (MANE Select); coding-DNA position 604, A replaced by G.
Protein change: p.Ile202Val; replaces isoleucine 202 with valine.
Molecular consequence: missense variant. On other transcripts: non-coding transcript variant (3).
Genome position (GRCh38, 1-based): chr16:19,078,108, A>G. VCF-style: chr16-19078108-A-G. GRCh37 (hg19) VCF-style: chr16-19089430-A-G.
Other names: c.490A>G, p.Ile164Val (NM_001190983.2, NM_001370492.1, NM_001370493.1 and 1 more transcripts); c.562A>G, p.Ile188Val (NM_001370489.1); c.535A>G, p.Ile179Val (NM_001370490.1); c.493A>G, p.Ile165Val (NM_001370491.1); c.421A>G, p.Ile141Val (NM_001370495.1); short protein forms I179V, I141V, I188V, I164V, I165V, I202V.
Identifiers: ClinVar variation 1495198 (VCV001495198.7), dbSNP rs1391188089, ClinGen allele CA394925615.